The following is an entry in ClinVar:

ClinVar aggregate classification (germline): Uncertain significance (1 of 4 stars; one submission).

Allele frequency attached by ClinVar (database versions not stated): gnomAD exomes below 0.00001; gnomAD 0.00001.
gnomAD v4.1: 2 of 1,614,064 alleles (0.00012%); highest among the groups gnomAD compares: South Asian, 0.0011%; no homozygotes.

Submission:

Labcorp Genetics (formerly Invitae), Labcorp
Classification: Uncertain significance. Last evaluated: 2023-12-20. Review status: criteria provided, single submitter. Criteria: Invitae Variant Classification Sherloc (09022015). Collection method: clinical testing. Allele origin: germline.
Comment: This sequence change falls in intron 4 of the COL2A1 gene. It does not directly change the encoded amino acid sequence of the COL2A1 protein. This variant is not present in population databases (gnomAD no frequency). This variant has not been reported in the literature in individuals affected with COL2A1-related conditions. Algorithms developed to predict the effect of sequence changes on RNA splicing suggest that this variant may disrupt the consensus splice site. In summary, the available evidence is currently insufficient to determine the role of this variant in disease. Therefore, it has been classified as a Variant of Uncertain Significance.

NM_001844.5(COL2A1):c.343-15G>A

Gene: COL2A1 (collagen type II alpha 1 chain; minus strand). Cytogenetic location: 12q13.11.
Variant type: single nucleotide variant.
Coding change: c.343-15G>A on transcript NM_001844.5 (MANE Select); 15 bases into the intron before coding-DNA position 343, G replaced by A.
Molecular consequence: intron variant.
Genome position (GRCh38, 1-based): chr12:47,998,079, C>T on the plus strand (G>A on the coding strand, the complement: COL2A1 is on the minus strand). VCF-style: chr12-47998079-C-T. GRCh37 (hg19) VCF-style: chr12-48391862-C-T.
Other names: c.136-15G>A (NM_033150.3).
Identifiers: ClinVar variation 2961809 (VCV002961809.3), dbSNP rs1940047716, ClinGen allele CA947346586.